The following is an entry in ClinVar:

NM_001042492.3(NF1):c.4979C>G (p.Ser1660Cys)

Gene: NF1 (neurofibromin 1; plus strand). Cytogenetic location: 17q11.2.
Variant type: single nucleotide variant.
Coding change: c.4979C>G on transcript NM_001042492.3 (MANE Select); coding-DNA position 4979, C replaced by G.
Protein change: p.Ser1660Cys; replaces serine 1660 with cysteine.
Molecular consequence: missense variant.
Genome position (GRCh38, 1-based): chr17:31,325,963, C>G. VCF-style: chr17-31325963-C-G. GRCh37 (hg19) VCF-style: chr17-29652981-C-G.
Other names: c.4916C>G, p.Ser1639Cys (NM_000267.4); short protein forms S1660C, S1639C.
Identifiers: ClinVar variation 958846 (VCV000958846.8), dbSNP rs2069329686, ClinGen allele CA399007240.
Genomic context (GRCh38, chr17:31,325,963, plus strand): 5'-AAATTGTAGTGGACCTTACCCATACCGGGCCTAGCAATCGCTTTAAAACAGACTTTCTCT[C>G]TAAGTGGTTTGTTGTTTTTCCTGGCTTTGCTTACGACAACGTCTCCGCAGTCTATATCTA-3'
Protein context (NP_001035957.1, residues 1650-1670): PSNRFKTDFL[Ser1660Cys]KWFVVFPGFA

ClinVar aggregate classification (germline): Uncertain significance. Review status: criteria provided, multiple submitters, no conflicts (2 of 4 stars). 2 submissions from 2 submitters: Uncertain significance (2). Last evaluated 2025-05-06.

Conditions:
Hereditary cancer-predisposing syndrome. Also called: Hereditary neoplastic syndrome; Tumor predisposition; Neoplastic Syndromes, Hereditary; Hereditary Cancer Syndrome. Identifiers: Orphanet 140162, MedGen C0027672, MeSH D009386, MONDO:0015356.
Cardiovascular phenotype. Identifiers: MedGen CN230736.
Neurofibromatosis, type 1 (NF1). Also called: Peripheral type neurofibromatosis; VON RECKLINGHAUSEN DISEASE; NEUROFIBROMATOSIS, TYPE I, SOMATIC; Neurofibromatosis, type I. Identifiers: Orphanet 636, MedGen C0027831, MONDO:0018975, OMIM 162200. Disease mechanism: loss of function.

Allele frequency attached by ClinVar (database versions not stated): gnomAD exomes below 0.00001.
gnomAD v4.1: 1 of 1,614,188 alleles (0.000062%); highest among the groups gnomAD compares: Non-Finnish European, 0.000085%; no homozygotes.

Submissions (2):

Ambry Genetics
Classification: Uncertain significance for Cardiovascular phenotype; Hereditary cancer-predisposing syndrome. Last evaluated: 2025-05-06. Review status: criteria provided, single submitter. Criteria: Ambry Variant Classification Scheme 2023. Collection method: clinical testing. Allele origin: germline.
Comment: The p.S1639C variant (also known as c.4916C>G), located in coding exon 36 of the NF1 gene, results from a C to G substitution at nucleotide position 4916. The serine at codon 1639 is replaced by cysteine, an amino acid with dissimilar properties. This amino acid position is highly conserved in available vertebrate species. In addition, the in silico prediction for this alteration is inconclusive. Since supporting evidence is limited at this time, the clinical significance of this alteration remains unclear.

Labcorp Genetics (formerly Invitae), Labcorp
Classification: Uncertain significance for Neurofibromatosis, type 1. Last evaluated: 2021-07-16. Review status: criteria provided, single submitter. Criteria: Invitae Variant Classification Sherloc (09022015). Collection method: clinical testing. Allele origin: germline.
Comment: This sequence change replaces serine with cysteine at codon 1639 of the NF1 protein (p.Ser1639Cys). The serine residue is moderately conserved and there is a moderate physicochemical difference between serine and cysteine. In summary, the available evidence is currently insufficient to determine the role of this variant in disease. Therefore, it has been classified as a Variant of Uncertain Significance. Algorithms developed to predict the effect of sequence changes on RNA splicing suggest that this variant may create or strengthen a splice site, but this prediction has not been confirmed by published transcriptional studies. Algorithms developed to predict the effect of missense changes on protein structure and function are either unavailable or do not agree on the potential impact of this missense change (SIFT: "Deleterious"; PolyPhen-2: "Probably Damaging"; Align-GVGD: "Class C0"). This variant has not been reported in the literature in individuals with NF1-related conditions. This variant is not present in population databases (ExAC no frequency).